The following is an entry in ClinVar:

NM_002473.6(MYH9):c.2205C>T (p.Asp735=)

Gene: MYH9 (myosin heavy chain 9; minus strand). Cytogenetic location: 22q12.3.
Variant type: single nucleotide variant.
Coding change: c.2205C>T on transcript NM_002473.6 (MANE Select); coding-DNA position 2205, C replaced by T.
Protein change: p.Asp735=; no amino-acid change (aspartic acid 735 retained).
Molecular consequence: synonymous variant.
Genome position (GRCh38, 1-based): chr22:36,305,057, G>A on the plus strand (C>T on the coding strand, the complement: MYH9 is on the minus strand). VCF-style: chr22-36305057-G-A. GRCh37 (hg19) VCF-style: chr22-36701103-G-A.
Identifiers: ClinVar variation 258735 (VCV000258735.10), dbSNP rs370860479, ClinGen allele CA10210054.

ClinVar aggregate classification (germline): Conflicting classifications of pathogenicity. Review status: criteria provided, conflicting classifications (1 of 4 stars). 5 submissions from 4 submitters: Uncertain significance (1); Likely benign (4). Last evaluated 2026-01-09.

Conditions:
MYH9-related disorder. Identifiers: MedGen C1854520.
Autosomal dominant nonsyndromic hearing loss 17. Also called: Deafness, autosomal dominant 17; Autosomal dominant nonsyndromic deafness 17. Identifiers: Orphanet 90635, MedGen C1863659, MONDO:0011350, OMIM 603622.

Allele frequency attached by ClinVar (database versions not stated): 1000 Genomes Project 0.00020; gnomAD exomes 0.00003 and 0.00005; ExAC 0.00004; gnomAD 0.00005; 1000 Genomes Project 30x 0.00016; TOPMed 0.00006.
gnomAD v4.1: 82 of 1,614,096 alleles (0.0051%); highest among the groups gnomAD compares: East Asian, 0.013%; no homozygotes.

Submissions (5):

Women's Health and Genetics/Laboratory Corporation of America, LabCorp
Classification: Likely benign. Last evaluated: 2026-01-09. Review status: criteria provided, single submitter. Criteria: LabCorp Variant Classification Summary - May 2015. Collection method: clinical testing. Allele origin: germline.

Labcorp Genetics (formerly Invitae), Labcorp
Classification: Likely benign. Last evaluated: 2025-08-17. Review status: criteria provided, single submitter. Criteria: Invitae Variant Classification Sherloc (09022015). Collection method: clinical testing. Allele origin: germline.

Illumina Laboratory Services, Illumina
Classification: Uncertain significance for Autosomal dominant nonsyndromic hearing loss 17. Last evaluated: 2018-01-13. Review status: criteria provided, single submitter. Criteria: ICSL Variant Classification Criteria 13 December 2019. Collection method: clinical testing. Allele origin: germline.

Illumina Laboratory Services, Illumina
Classification: Likely benign for MYH9-related disorder. Last evaluated: 2018-01-13. Review status: criteria provided, single submitter. Criteria: ICSL Variant Classification Criteria 13 December 2019. Collection method: clinical testing. Allele origin: germline.
Comment: This variant was observed in the ICSL laboratory as part of a predisposition screen in an ostensibly healthy population. It had not been previously curated by ICSL or reported in the Human Gene Mutation Database (HGMD: prior to June 1st, 2018), and was therefore a candidate for classification through an automated scoring system. Utilizing variant allele frequency, disease prevalence and penetrance estimates, and inheritance mode, an automated score was calculated to assess if this variant is too frequent to cause the disease. Based on the score and internal cut-off values, a variant classified as likely benign is not then subjected to further curation. The score for this variant resulted in a classification of likely benign for this disease.

PreventionGenetics, part of Exact Sciences
Classification: Likely benign. Review status: criteria provided, single submitter. Criteria: ACMG Guidelines, 2015. Collection method: clinical testing. Allele origin: germline.